The following is an entry in ClinVar:

ClinVar aggregate classification (germline): Uncertain significance (1 of 4 stars; one submission).

Conditions:
Familial thoracic aortic aneurysm and aortic dissection (TAAD). Also called: Thoracic aortic aneurysms and dissections. Identifiers: Orphanet 91387, MedGen C4707243, MONDO:0019625.

Submission:

Labcorp Genetics (formerly Invitae), Labcorp
Classification: Uncertain significance for Familial thoracic aortic aneurysm and aortic dissection. Last evaluated: 2022-07-14. Review status: criteria provided, single submitter. Criteria: Invitae Variant Classification Sherloc (09022015). Collection method: clinical testing. Allele origin: germline.
Comment: This sequence change replaces glycine, which is neutral and non-polar, with arginine, which is basic and polar, at codon 353 of the TGFBR1 protein (p.Gly353Arg). This variant is not present in population databases (gnomAD no frequency). This missense change has been observed in individual(s) with clinical features of Loeys-Dietz syndrome (PMID: 31569402). Advanced modeling of protein sequence and biophysical properties (such as structural, functional, and spatial information, amino acid conservation, physicochemical variation, residue mobility, and thermodynamic stability) performed at Invitae indicates that this missense variant is expected to disrupt TGFBR1 protein function. This variant disrupts the p.Gly353 amino acid residue in TGFBR1. Other variant(s) that disrupt this residue have been observed in individuals with TGFBR1-related conditions (PMID: 27508510), which suggests that this may be a clinically significant amino acid residue. In summary, the available evidence is currently insufficient to determine the role of this variant in disease. Therefore, it has been classified as a Variant of Uncertain Significance.

Literature cited by the submitters: PubMed 31569402; PubMed 27508510.

NM_004612.4(TGFBR1):c.1057G>A (p.Gly353Arg)

Gene: TGFBR1 (transforming growth factor beta receptor 1; plus strand). Cytogenetic location: 9q22.33.
Variant type: single nucleotide variant.
Coding change: c.1057G>A on transcript NM_004612.4 (MANE Select); coding-DNA position 1057, G replaced by A.
Protein change: p.Gly353Arg; replaces glycine 353 with arginine.
Molecular consequence: missense variant.
Genome position (GRCh38, 1-based): chr9:99,144,815, G>A. VCF-style: chr9-99144815-G-A. GRCh37 (hg19) VCF-style: chr9-101907097-G-A.
Other names: c.826G>A, p.Gly276Arg (NM_001130916.3, NM_001407435.1); c.1069G>A, p.Gly357Arg (NM_001306210.2); c.901G>A, p.Gly301Arg (NM_001407416.1); c.889G>A, p.Gly297Arg (NM_001407417.1); c.862G>A, p.Gly288Arg (NM_001407418.1, NM_001407419.1, NM_001407420.1 and 1 more transcripts); c.850G>A, p.Gly284Arg (NM_001407423.1, NM_001407424.1, NM_001407425.1 and 8 more transcripts); c.811G>A, p.Gly271Arg (NM_001407436.1); c.349G>A, p.Gly117Arg (NM_001407437.1); and 1 more; short protein forms G284R, G353R, G117R, G288R, G301R, G357R, G194R, G276R.
Identifiers: ClinVar variation 2017139 (VCV002017139.4), dbSNP rs2490237311, ClinGen allele CA374231488.